The following is an entry in ClinVar:

ClinVar aggregate classification (germline): Pathogenic (1 of 4 stars; one submission).

Submission:

Quest Diagnostics Nichols Institute San Juan Capistrano
Classification: Pathogenic. Last evaluated: 2023-10-30. Review status: criteria provided, single submitter. Criteria: ACMG/ClinGen CNV Guidelines, 2019. Collection method: clinical testing. Allele origin: unknown.
Comment: Individuals with duplications similar to the current copy number gain have demonstrated a wide spectrum of phenotypes (Ahram 2016, Chen 2010, Chen 2016, Loeffler 2003, Manvelyan 2008, Shao 2020, Xing 2021). Thus, this copy number variant (CNV) is classified as pathogenic. References: Ahram et al., Clin Case Rep. 2016 Oct 21;4(12):1125-1131. PMID: 27980747; Chen et al., Taiwan J Obstet Gynecol. 2010 Dec;49(4):500-5. PMID: 21199754; Chen et al., Taiwan J Obstet Gynecol. 2016 Dec;55(6):856-860. PMID: 28040133; Loeffler et al., Am J Med Genet A. 2003 Jan 30;116A(3):290-4. PMID: 12503109; Manvelyan et al., Int J Mol Med. 2008 Jun;21(6):705-14. PMID: 18506363; Shao et al., Taiwan J Obstet Gynecol. 2020 Mar;59(2):323-326. PMID: 32127158; Xing et al., Biomed Res Int. 2021 Jul 2;2021:6258527. PMID: 34307659

GRCh37/hg19 8p11.23-q11.23(chr8:37551624-52934472)x3

Genes: ADAM18 (ADAM metallopeptidase domain 18; plus strand), CEBPD (CCAAT enhancer binding protein delta; minus strand), CHRNA6 (cholinergic receptor nicotinic alpha 6 subunit; minus strand), CHRNB3 (cholinergic receptor nicotinic beta 3 subunit; plus strand), CLXN (calaxin; minus strand) and 62 more. Cytogenetic location: 8p11.23-q11.23.
Variant type: copy number gain.
Change: copy number 3 (three copies instead of two) of chr8:37,551,624-52,934,472 (15.38 Mb, GRCh37 coordinates, 1-based), cytogenetic band 8p11.23-q11.23.
Identifiers: ClinVar variation 3391848 (VCV003391848.1).